The following is an entry in ClinVar:

NM_030973.4(MED25):c.1317-3C>T

Genes: MED25 (mediator complex subunit 25; plus strand), MIR6800 (microRNA 6800; plus strand). Cytogenetic location: 19q13.33.
Variant type: single nucleotide variant.
Coding change: c.1317-3C>T on transcript NM_030973.4 (MANE Select); 3 bases into the intron before coding-DNA position 1317, C replaced by T.
Molecular consequence: intron variant. On other transcripts: non-coding transcript variant (1).
Genome position (GRCh38, 1-based): chr19:49,832,097, C>T. VCF-style: chr19-49832097-C-T. GRCh37 (hg19) VCF-style: chr19-50335354-C-T.
Other names: c.1317-3C>T (NM_001378355.1).
Identifiers: ClinVar variation 1061863 (VCV001061863.4), dbSNP rs367774572, ClinGen allele CA9585237.

ClinVar aggregate classification (germline): Uncertain significance (1 of 4 stars; one submission).

Conditions:
Charcot-Marie-Tooth disease type 2. Also called: Charcot-Marie-Tooth type 2. Identifiers: Orphanet 64746, MedGen C0270914, MONDO:0018993.

Allele frequency attached by ClinVar (database versions not stated): gnomAD exomes 0.00003 and 0.00002; gnomAD 0.00001; TOPMed 0.00002; ExAC 0.00003; ESP Exome Variant Server 0.00008.
gnomAD v4.1: 41 of 1,613,644 alleles (0.0025%); highest among the groups gnomAD compares: Non-Finnish European, 0.0034%; no homozygotes.

Submission:

Labcorp Genetics (formerly Invitae), Labcorp
Classification: Uncertain significance for Charcot-Marie-Tooth disease type 2. Last evaluated: 2020-11-25. Review status: criteria provided, single submitter. Criteria: Invitae Variant Classification Sherloc (09022015). Collection method: clinical testing. Allele origin: germline.
Comment: This sequence change falls in intron 11 of the MED25 gene. It does not directly change the encoded amino acid sequence of the MED25 protein, but it affects a nucleotide within the consensus splice site of the intron. This variant is present in population databases (rs367774572, ExAC 0.005%). This variant has not been reported in the literature in individuals with MED25-related conditions. Nucleotide substitutions within the consensus splice site are a relatively common cause of aberrant splicing (PMID: 17576681, 9536098). Algorithms developed to predict the effect of sequence changes on RNA splicing suggest that this variant is not likely to affect RNA splicing, but this prediction has not been confirmed by published transcriptional studies. In summary, the available evidence is currently insufficient to determine the role of this variant in disease. Therefore, it has been classified as a Variant of Uncertain Significance.

Literature cited by the submitters: PubMed 17576681; PubMed 9536098.